The following is an entry in ClinVar:

ClinVar aggregate classification (germline): Uncertain significance. Review status: criteria provided, multiple submitters, no conflicts (2 of 4 stars). 2 submissions from 2 submitters: Uncertain significance (2). Last evaluated 2025-06-14.

Conditions:
Gorlin syndrome. Also called: Nevoid Basal Cell Carcinoma Syndrome; Basal cell nevus syndrome. Identifiers: Orphanet 377, MedGen C0004779, MONDO:0007187.
Hereditary cancer-predisposing syndrome. Also called: Neoplastic Syndromes, Hereditary; Tumor predisposition; Hereditary Cancer Syndrome; Hereditary neoplastic syndrome. Identifiers: Orphanet 140162, MedGen C0027672, MeSH D009386, MONDO:0015356.

Submissions (2):

Labcorp Genetics (formerly Invitae), Labcorp
Classification: Uncertain significance for Gorlin syndrome. Last evaluated: 2025-06-14. Review status: criteria provided, single submitter. Criteria: Invitae Variant Classification Sherloc (09022015). Collection method: clinical testing. Allele origin: germline.
Comment: This sequence change replaces serine, which is neutral and polar, with arginine, which is basic and polar, at codon 18 of the PTCH1 protein (p.Ser18Arg). This variant is not present in population databases (gnomAD no frequency). This variant has not been reported in the literature in individuals affected with PTCH1-related conditions. ClinVar contains an entry for this variant (Variation ID: 1747936). Invitae Evidence Modeling of protein sequence and biophysical properties (such as structural, functional, and spatial information, amino acid conservation, physicochemical variation, residue mobility, and thermodynamic stability) indicates that this missense variant is not expected to disrupt PTCH1 protein function with a negative predictive value of 95%. In summary, the available evidence is currently insufficient to determine the role of this variant in disease. Therefore, it has been classified as a Variant of Uncertain Significance.

Ambry Genetics
Classification: Uncertain significance for Hereditary cancer-predisposing syndrome. Last evaluated: 2022-05-03. Review status: criteria provided, single submitter. Criteria: Ambry Variant Classification Scheme 2023. Collection method: clinical testing. Allele origin: germline.
Comment: The p.S18R variant (also known as c.54C>A), located in coding exon 1 of the PTCH1 gene, results from a C to A substitution at nucleotide position 54. The serine at codon 18 is replaced by arginine, an amino acid with dissimilar properties. This amino acid position is conserved. In addition, this alteration is predicted to be tolerated by in silico analysis. Since supporting evidence is limited at this time, the clinical significance of this alteration remains unclear.

NM_000264.5(PTCH1):c.54C>A (p.Ser18Arg)

Genes: PTCH1 (patched 1; minus strand), LOC130002133 (ATAC-STARR-seq lymphoblastoid silent region 20071; plus strand). Cytogenetic location: 9q22.32.
Variant type: single nucleotide variant.
Coding change: c.54C>A on transcript NM_000264.5 (MANE Select); coding-DNA position 54, C replaced by A.
Protein change: p.Ser18Arg; replaces serine 18 with arginine.
Molecular consequence: missense variant. On other transcripts: non-coding transcript variant (1), intron variant (3).
Genome position (GRCh38, 1-based): chr9:95,508,308, G>T on the plus strand (C>A on the coding strand, the complement: PTCH1 is on the minus strand). VCF-style: chr9-95508308-G-T. GRCh37 (hg19) VCF-style: chr9-98270590-G-T.
Other names: c.54C>A, p.Ser18Arg (NM_001354918.2); c.199-1709C>A (NM_001083603.3); c.4-1709C>A (NM_001083602.3, NM_001354919.2); short protein forms S18R.
Identifiers: ClinVar variation 1747936 (VCV001747936.3), dbSNP rs1328705680, ClinGen allele CA374121508.